The following is an entry in ClinVar:

NM_001378477.3(NYX):c.201C>G (p.Asn67Lys)

Gene: NYX (nyctalopin; plus strand). Cytogenetic location: Xp11.4.
Variant type: single nucleotide variant.
Coding change: c.201C>G on transcript NM_001378477.3 (MANE Select); coding-DNA position 201, C replaced by G.
Protein change: p.Asn67Lys; replaces asparagine 67 with lysine.
Molecular consequence: missense variant.
Genome position (GRCh38, 1-based): chrX:41,473,669, C>G. VCF-style: chrX-41473669-C-G. GRCh37 (hg19) VCF-style: chrX-41332922-C-G.
Other names: c.201C>G, p.Asn67Lys (NM_022567.3); c.216C>G (NM_022567.2); short protein forms N67K.
Identifiers: ClinVar variation 2138550 (VCV002138550.5), dbSNP rs2519606727, ClinGen allele CA412989615.

ClinVar aggregate classification (germline): Uncertain significance. Review status: criteria provided, multiple submitters, no conflicts (2 of 4 stars). 2 submissions from 2 submitters: Uncertain significance (2). Last evaluated 2025-04-24.

Conditions:
NYX-related disorder. Also called: NYX-related condition.

Submissions (2):

PreventionGenetics, part of Exact Sciences
Classification: Uncertain significance for NYX-related condition. Last evaluated: 2025-04-24. Review status: criteria provided, single submitter. Criteria: ACMG Guidelines, 2015. Collection method: clinical testing. Allele origin: germline.
Comment: The NYX c.216C>G variant is predicted to result in the amino acid substitution p.Asn72Lys. Another missense at this position, p.Asn72His, and neighboring residue, p.Arg71Pro, have been reported in individuals with congenital stationary night blindness (referred to as p.Asn67His in Dai. 2015. PubMed ID: 26234941; referred to as p.Arg66Pro in Table S5, Taylor et al. 2017. PubMed ID: 28341476, respectively). This variant is not reported in a large population database (gnomAD), indicating this variant is rare. Although we suspect that this variant may be pathogenic, the clinical significance of this variant is classified as uncertain at this time due to insufficient functional and genetic evidence.

Labcorp Genetics (formerly Invitae), Labcorp
Classification: Uncertain significance. Last evaluated: 2022-08-17. Review status: criteria provided, single submitter. Criteria: Invitae Variant Classification Sherloc (09022015). Collection method: clinical testing. Allele origin: germline.
Comment: This variant is not present in population databases (gnomAD no frequency). In summary, the available evidence is currently insufficient to determine the role of this variant in disease. Therefore, it has been classified as a Variant of Uncertain Significance. This variant disrupts the p.Asn72 amino acid residue in NYX. Other variant(s) that disrupt this residue have been observed in individuals with NYX-related conditions (PMID: 26234941), which suggests that this may be a clinically significant amino acid residue. Algorithms developed to predict the effect of missense changes on protein structure and function (SIFT, PolyPhen-2, Align-GVGD) all suggest that this variant is likely to be disruptive. This missense change has been observed in individual(s) with night blindness (PMID: 28341476; Invitae). This sequence change replaces asparagine, which is neutral and polar, with lysine, which is basic and polar, at codon 72 of the NYX protein (p.Asn72Lys).

Literature cited by the submitters: PubMed 26234941 (cited by Labcorp Genetics (formerly Invitae), Labcorp); PubMed 28341476 (cited by Labcorp Genetics (formerly Invitae), Labcorp).